The following is an entry in ClinVar:

ClinVar aggregate classification (germline): Benign/Likely benign. Review status: criteria provided, multiple submitters, no conflicts (2 of 4 stars). 9 submissions from 9 submitters: Benign (4); Likely benign (1). 4 of the submissions do not count toward it. Last evaluated 2024-11-28.

Conditions:
ALAS2-related disorder. Also called: ALAS2-related condition.
X-linked erythropoietic protoporphyria. Also called: ERYTHROHEPATIC PROTOPORPHYRIA, X-LINKED; Erythropoietic Protoporphyria, X-Linked Dominant; X-Linked Protoporphyria. Identifiers: Orphanet 443197, MedGen C2677889, MONDO:0010420, OMIM 300752.

Allele frequency attached by ClinVar (database versions not stated): 1000 Genomes Project 30x 0.00062; 1000 Genomes Project 0.00079; gnomAD exomes 0.00281 and 0.00424; ExAC 0.00284; TOPMed 0.00319; gnomAD 0.00322 and 0.00325; ESP Exome Variant Server 0.00354.
gnomAD v4.1: 4,983 of 1,209,659 alleles (0.41%); highest among the groups gnomAD compares: Non-Finnish European, 0.5%; 17 homozygotes.

Submissions (9):

Blueprint Genetics
Classification: Likely benign. Last evaluated: 2024-11-28. Review status: criteria provided, single submitter. Criteria: ACMG Guidelines, 2015. Collection method: clinical testing. Allele origin: germline.

ARUP Laboratories, Molecular Genetics and Genomics, ARUP Laboratories
Classification: Benign. Last evaluated: 2024-02-07. Review status: criteria provided, single submitter. Criteria: ARUP Molecular Germline Variant Investigation Process 2024. Collection method: clinical testing. Allele origin: germline.

Department of Pathology and Laboratory Medicine, Sinai Health System
Classification: Benign for X-linked erythropoietic protoporphyria. Last evaluated: 2022-04-08. Review status: criteria provided, single submitter. Criteria: ACMG Guidelines, 2015. Collection method: research. Allele origin: germline.

GeneDx
Classification: Benign. Last evaluated: 2014-10-28. Review status: criteria provided, single submitter. Criteria: GeneDx Variant Classification (06012015). Collection method: clinical testing. Allele origin: germline. Affected: yes.
Comment: This variant is considered likely benign or benign based on one or more of the following criteria: it is a conservative change, it occurs at a poorly conserved position in the protein, it is predicted to be benign by multiple in silico algorithms, and/or has population frequency not consistent with disease.

Breakthrough Genomics
Classification: Benign. Review status: criteria provided, single submitter. Criteria: ACMG Guidelines, 2015. Collection method: not provided. Allele origin: germline. Inheritance: X-linked inheritance. Affected: yes.

PreventionGenetics, part of Exact Sciences
Classification: Benign for ALAS2-related condition. Last evaluated: 2019-09-20. Review status: no assertion criteria provided. Collection method: clinical testing. Allele origin: germline. Not counted in ClinVar's aggregate classification.
Comment: This variant is classified as benign based on ACMG/AMP sequence variant interpretation guidelines (Richards et al. 2015 PMID: 25741868, with internal and published modifications).

Clinical Genetics DNA and cytogenetics Diagnostics Lab, Erasmus MC, Erasmus Medical Center
Classification: Likely benign. Review status: no assertion criteria provided. Collection method: clinical testing. Allele origin: germline. Affected: yes. Study: VKGL Data-share Consensus. Not counted in ClinVar's aggregate classification.

Genome Diagnostics Laboratory, University Medical Center Utrecht
Classification: Benign. Review status: no assertion criteria provided. Collection method: clinical testing. Allele origin: germline. Affected: yes. Study: VKGL Data-share Consensus. Not counted in ClinVar's aggregate classification.

Laboratory of Diagnostic Genome Analysis, Leiden University Medical Center (LUMC)
Classification: Benign. Review status: no assertion criteria provided. Collection method: clinical testing. Allele origin: germline. Affected: yes. Study: VKGL Data-share Consensus. Not counted in ClinVar's aggregate classification.

NM_000032.5(ALAS2):c.-15-1790G>A

Genes: ALAS2 (5'-aminolevulinate synthase 2; minus strand), LOC108663984 (ALAS2 intron 1 and 3 erythroid regulatory elements; plus strand). Cytogenetic location: Xp11.21.
Variant type: single nucleotide variant.
Coding change: c.-15-1790G>A on transcript NM_000032.5 (MANE Select); 1790 bases into the intron before 15 bases upstream of the start codon, G replaced by A.
Molecular consequence: intron variant. On other transcripts: missense variant (1), initiator codon variant (1).
Genome position (GRCh38, 1-based): chrX:55,027,805, C>T on the plus strand (G>A on the coding strand, the complement: ALAS2 is on the minus strand). VCF-style: chrX-55027805-C-T. GRCh37 (hg19) VCF-style: chrX-55054238-C-T.
Other names: p.M1I:ATG>ATA; c.-15-1790G>A (LRG_1163t1, NM_001037967.4); c.3G>A, p.Met1Ile (NM_001037968.4); short protein forms M1I.
Identifiers: ClinVar variation 214092 (VCV000214092.11), dbSNP rs189947718, ClinGen allele CA322847.
Genomic context (GRCh38, chrX:55,027,805, plus strand): 5'-CCGTACCTCACAAAACAACCTCTTTTTCTTGTTCCATCCCAGAGCAACCTCTCCCCCTCT[C>T]ATGGGCTGTCACAGCAGCCTGGGTTGGTATGTGGGGCCAAGGCATGTGGGCCCTGAAATT-3'